The following is an entry in ClinVar:

NM_002291.3(LAMB1):c.1776T>G (p.Pro592=)

Gene: LAMB1 (laminin subunit beta 1; minus strand). Cytogenetic location: 7q31.1.
Variant type: single nucleotide variant.
Coding change: c.1776T>G on transcript NM_002291.3 (MANE Select); coding-DNA position 1776, T replaced by G.
Protein change: p.Pro592=; no amino-acid change (proline 592 retained).
Molecular consequence: synonymous variant.
Genome position (GRCh38, 1-based): chr7:107,962,986, A>C on the plus strand (T>G on the coding strand, the complement: LAMB1 is on the minus strand). VCF-style: chr7-107962986-A-C. GRCh37 (hg19) VCF-style: chr7-107603431-A-C.
Identifiers: ClinVar variation 380838 (VCV000380838.12), dbSNP rs2230156, ClinGen allele CA4435885.

ClinVar aggregate classification (germline): Benign. Review status: criteria provided, multiple submitters, no conflicts (2 of 4 stars). 4 submissions from 4 submitters: Benign (4). Last evaluated 2026-02-03.

Allele frequency attached by ClinVar (database versions not stated): 1000 Genomes Project 0.28574; 1000 Genomes Project 30x 0.29154; TOPMed 0.29821; gnomAD 0.30391; ESP Exome Variant Server 0.30586.
gnomAD v4.1: 450,499 of 1,613,256 alleles (28%); highest among the groups gnomAD compares: African/African-American, 36%; 63,936 homozygotes.

Submissions (4):

Labcorp Genetics (formerly Invitae), Labcorp
Classification: Benign. Last evaluated: 2026-02-03. Review status: criteria provided, single submitter. Criteria: Invitae Variant Classification Sherloc (09022015). Collection method: clinical testing. Allele origin: germline.

Blueprint Genetics
Classification: Benign. Last evaluated: 2024-11-27. Review status: criteria provided, single submitter. Criteria: ACMG Guidelines, 2015. Collection method: clinical testing. Allele origin: germline.

GeneDx
Classification: Benign. Last evaluated: 2016-01-14. Review status: criteria provided, single submitter. Criteria: GeneDx Variant Classification (06012015). Collection method: clinical testing. Allele origin: germline. Affected: yes.
Comment: This variant is considered likely benign or benign based on one or more of the following criteria: it is a conservative change, it occurs at a poorly conserved position in the protein, it is predicted to be benign by multiple in silico algorithms, and/or has population frequency not consistent with disease.

Breakthrough Genomics
Classification: Benign. Review status: criteria provided, single submitter. Criteria: ACMG Guidelines, 2015. Collection method: not provided. Allele origin: germline. Inheritance: Autosomal recessive inheritance. Affected: yes.